The following is an entry in ClinVar:

NM_003153.5(STAT6):c.2160-7C>T

Gene: STAT6 (signal transducer and activator of transcription 6; minus strand). Cytogenetic location: 12q13.3.
Variant type: single nucleotide variant.
Coding change: c.2160-7C>T on transcript NM_003153.5 (MANE Select); 7 bases into the intron before coding-DNA position 2160, C replaced by T.
Molecular consequence: intron variant.
Genome position (GRCh38, 1-based): chr12:57,097,140, G>A on the plus strand (C>T on the coding strand, the complement: STAT6 is on the minus strand). VCF-style: chr12-57097140-G-A. GRCh37 (hg19) VCF-style: chr12-57490923-G-A.
Other names: c.1830-7C>T (NM_001178081.2, NM_001178080.2); c.2160-7C>T (NM_001178078.2, NM_001178079.2).
Identifiers: ClinVar variation 4821385 (VCV004821385.4).

ClinVar aggregate classification (germline): Likely benign (1 of 4 stars; one submission).

gnomAD v4.1: 38 of 1,510,884 alleles (0.0025%); highest among the groups gnomAD compares: Non-Finnish European, 0.0033%; no homozygotes.

Submission:

CeGaT Center for Human Genetics Tuebingen
Classification: Likely benign. Last evaluated: 2026-03-01. Review status: criteria provided, single submitter. Criteria: CeGaT Center For Human Genetics Tuebingen Variant Classification Criteria Version 2. Collection method: clinical testing. Allele origin: germline. Affected: yes. Observed: 1 variant allele.
Comment: STAT6: BP4, BS1